The following is an entry in ClinVar:

ClinVar aggregate classification (germline): Uncertain significance (1 of 4 stars; one submission).

gnomAD v4.1: 1 of 1,614,176 alleles (0.000062%); highest among the groups gnomAD compares: Non-Finnish European, 0.000085%; no homozygotes.

Submission:

Labcorp Genetics (formerly Invitae), Labcorp
Classification: Uncertain significance. Last evaluated: 2024-02-22. Review status: criteria provided, single submitter. Criteria: Invitae Variant Classification Sherloc (09022015). Collection method: clinical testing. Allele origin: germline.
Comment: This sequence change replaces leucine, which is neutral and non-polar, with isoleucine, which is neutral and non-polar, at codon 1635 of the SNRNP200 protein (p.Leu1635Ile). This variant is present in population databases (no rsID available, gnomAD 0.0009%). This variant has not been reported in the literature in individuals affected with SNRNP200-related conditions. Advanced modeling of protein sequence and biophysical properties (such as structural, functional, and spatial information, amino acid conservation, physicochemical variation, residue mobility, and thermodynamic stability) performed at Invitae indicates that this missense variant is expected to disrupt SNRNP200 protein function with a positive predictive value of 80%. In summary, the available evidence is currently insufficient to determine the role of this variant in disease. Therefore, it has been classified as a Variant of Uncertain Significance.

NM_014014.5(SNRNP200):c.4903C>A (p.Leu1635Ile)

Gene: SNRNP200 (small nuclear ribonucleoprotein U5 subunit 200; minus strand). Cytogenetic location: 2q11.2.
Variant type: single nucleotide variant.
Coding change: c.4903C>A on transcript NM_014014.5 (MANE Select); coding-DNA position 4903, C replaced by A.
Protein change: p.Leu1635Ile; replaces leucine 1635 with isoleucine.
Molecular consequence: missense variant.
Genome position (GRCh38, 1-based): chr2:96,283,213, G>T on the plus strand (C>A on the coding strand, the complement: SNRNP200 is on the minus strand). VCF-style: chr2-96283213-G-T. GRCh37 (hg19) VCF-style: chr2-96948951-G-T.
Other names: short protein forms L1635I.
Identifiers: ClinVar variation 3631915 (VCV003631915.2).
Genomic context (GRCh38, chr2:96,283,213, plus strand): 5'-CCACTTGGTGATACCCTTGCTATGCTCCCCTTCCGTGGCCTGACTTACCTGAGCTGAAGA[G>T]CTGCTCCACCAGGCGTCGCTCCATGGGGCTGAGCCCCTCATGCAGGTAGCCCACCCCATT-3'
Protein context (NP_054733.2, residues 1625-1645): SPMERRLVEQ[Leu1635Ile]FSSGAIQVVV